The following is an entry in ClinVar:

ClinVar aggregate classification (germline): Conflicting classifications of pathogenicity. Review status: criteria provided, conflicting classifications (1 of 4 stars). 2 submissions from 2 submitters: Uncertain significance (1); Likely benign (1). Last evaluated 2025-10-01.

Conditions:
Inborn genetic diseases. Identifiers: MedGen C0950123, MeSH D030342.
Autosomal dominant childhood-onset proximal spinal muscular atrophy with contractures (SMALED2A). Also called: SPINAL MUSCULAR ATROPHY, LOWER EXTREMITY-PREDOMINANT, 2A, CHILDHOOD ONSET, AUTOSOMAL DOMINANT; Spinal muscular atrophy, lower extremity-predominant, 2A, autosomal dominant. Identifiers: Orphanet 363447, Orphanet 363454, MedGen C4747715, MONDO:0014121, OMIM 615290.

Allele frequency attached by ClinVar (database versions not stated): gnomAD 0.00001 and 0.00002; gnomAD exomes 0.00001 and 0.00002; TOPMed 0.00001; ExAC 0.00002.
gnomAD v4.1: 20 of 1,610,790 alleles (0.0012%); highest among the groups gnomAD compares: South Asian, 0.0055%; no homozygotes.

Submissions (2):

Labcorp Genetics (formerly Invitae), Labcorp
Classification: Likely benign for Autosomal dominant childhood-onset proximal spinal muscular atrophy with contractures. Last evaluated: 2025-10-01. Review status: criteria provided, single submitter. Criteria: Invitae Variant Classification Sherloc (09022015). Collection method: clinical testing. Allele origin: germline.

Ambry Genetics
Classification: Uncertain significance for Inborn genetic diseases. Last evaluated: 2019-10-16. Review status: criteria provided, single submitter. Criteria: Ambry Variant Classification Scheme 2023. Collection method: clinical testing. Allele origin: germline.
Comment: The p.T482M variant (also known as c.1445C>T), located in coding exon 5 of the BICD2 gene, results from a C to T substitution at nucleotide position 1445. The threonine at codon 482 is replaced by methionine, an amino acid with similar properties. This amino acid position is poorly conserved in available vertebrate species. In addition, this alteration is predicted to be tolerated by in silico analysis. Since supporting evidence is limited at this time, the clinical significance of this alteration remains unclear.

NM_001003800.2(BICD2):c.1445C>T (p.Thr482Met)

Gene: BICD2 (BICD cargo adaptor 2; minus strand). Cytogenetic location: 9q22.31.
Variant type: single nucleotide variant.
Coding change: c.1445C>T on transcript NM_001003800.2 (MANE Select); coding-DNA position 1445, C replaced by T.
Protein change: p.Thr482Met; replaces threonine 482 with methionine.
Molecular consequence: missense variant.
Genome position (GRCh38, 1-based): chr9:92,719,200, G>A on the plus strand (C>T on the coding strand, the complement: BICD2 is on the minus strand). VCF-style: chr9-92719200-G-A. GRCh37 (hg19) VCF-style: chr9-95481482-G-A.
Other names: c.1445C>T, p.Thr482Met (NM_015250.4); short protein forms T482M.
Identifiers: ClinVar variation 474258 (VCV000474258.9), dbSNP rs761146388, ClinGen allele CA5126553.